The following is an entry in ClinVar:

ClinVar aggregate classification (germline): Uncertain significance (1 of 4 stars; one submission).

Submission:

Dasa
Classification: Uncertain significance. Last evaluated: 2025-12-09. Review status: criteria provided, single submitter. Criteria: DASA Assertion Criteria. Collection method: clinical testing. Allele origin: germline.
Comment: NM_014795.4(ZEB2):c.1163T>G (p.Leu388Arg) is a missense variant that results in the substitution of leucine with arginine. This variant is rare in population databases. The currently available literature and clinical evidence are not sufficient to establish a definitive association between this variant and the reported condition. Therefore, this variant is classified as a variant of uncertain significance.

NM_014795.4(ZEB2):c.1163T>G (p.Leu388Arg)

Gene: ZEB2 (zinc finger E-box binding homeobox 2; minus strand). Cytogenetic location: 2q22.3.
Variant type: single nucleotide variant.
Coding change: c.1163T>G on transcript NM_014795.4 (MANE Select); coding-DNA position 1163, T replaced by G.
Protein change: p.Leu388Arg; replaces leucine 388 with arginine.
Molecular consequence: missense variant.
Genome position (GRCh38, 1-based): chr2:144,400,024, A>C on the plus strand (T>G on the coding strand, the complement: ZEB2 is on the minus strand). VCF-style: chr2-144400024-A-C. GRCh37 (hg19) VCF-style: chr2-145157591-A-C.
Other names: c.1091T>G, p.Leu364Arg (NM_001171653.2); short protein forms L364R, L388R.
Identifiers: ClinVar variation 4885281 (VCV004885281.2).
Genomic context (GRCh38, chr2:144,400,024, plus strand): 5'-CCGTGTGTAGCCATAAGAACTTTATAGTCATTGAAGTCTAGTGGTTCTGTTTTAATTTTA[A>C]GTAAGCCTGTCTGTTCAGACATACTAAGTGGTTTTCCATTCTCCAACTTGTTTCTTAACT-3'
Protein context (NP_055610.1, residues 378-398): PLSMSEQTGL[Leu388Arg]KIKTEPLDFN